The following is an entry in ClinVar:

ClinVar aggregate classification (germline): Uncertain significance (1 of 4 stars; one submission).

Conditions:
Familial hypocalciuric hypercalcemia (FHH). Also called: Familial benign hypercalcemia. Identifiers: Orphanet 405, MedGen C1809471, MONDO:0018458.
Autosomal dominant hypocalcemia 1 (HYPOC1). Also called: HYPOCALCEMIA, FAMILIAL. Identifiers: MedGen C3715128, MONDO:0011013, OMIM 601198.

Allele frequency attached by ClinVar (database versions not stated): TOPMed below 0.00001; gnomAD 0.00001.
gnomAD v4.1: 1 of 1,613,340 alleles (0.000062%); highest among the groups gnomAD compares: African/African-American, 0.0013%; no homozygotes.

Submission:

Labcorp Genetics (formerly Invitae), Labcorp
Classification: Uncertain significance for Familial hypocalciuric hypercalcemia; Autosomal dominant hypocalcemia 1. Last evaluated: 2025-08-02. Review status: criteria provided, single submitter. Criteria: Invitae Variant Classification Sherloc (09022015). Collection method: clinical testing. Allele origin: germline.
Comment: This sequence change replaces alanine, which is neutral and non-polar, with threonine, which is neutral and polar, at codon 844 of the CASR protein (p.Ala844Thr). This variant is not present in population databases (gnomAD no frequency). This missense change has been observed in individual(s) with hypocalcemia or hypoparathyroidism (PMID: 20668040, 21645025). ClinVar contains an entry for this variant (Variation ID: 2925367). An algorithm developed to predict the effect of missense changes on protein structure and function (PolyPhen-2) suggests that this variant is likely to be tolerated. Experimental studies have shown that this missense change affects CASR function (PMID: 20668040). In summary, the available evidence is currently insufficient to determine the role of this variant in disease. Therefore, it has been classified as a Variant of Uncertain Significance.

Literature cited by the submitters: PubMed 20668040; PubMed 21645025.

NM_000388.4(CASR):c.2530G>A (p.Ala844Thr)

Gene: CASR (calcium sensing receptor; plus strand). Cytogenetic location: 3q21.1.
Variant type: single nucleotide variant.
Coding change: c.2530G>A on transcript NM_000388.4 (MANE Select); coding-DNA position 2530, G replaced by A.
Protein change: p.Ala844Thr; replaces alanine 844 with threonine.
Molecular consequence: missense variant.
Genome position (GRCh38, 1-based): chr3:122,284,484, G>A. VCF-style: chr3-122284484-G-A. GRCh37 (hg19) VCF-style: chr3-122003331-G-A.
Other names: c.2560G>A, p.Ala854Thr (NM_001178065.2); short protein forms A844T, A854T.
Identifiers: ClinVar variation 2925367 (VCV002925367.3), dbSNP rs1394440820, ClinGen allele CA354160179.